The following is an entry in ClinVar:

ClinVar aggregate classification (germline): Uncertain significance. Review status: criteria provided, multiple submitters, no conflicts (2 of 4 stars). 2 submissions from 2 submitters: Uncertain significance (2). Last evaluated 2025-10-14.

Conditions:
Inborn genetic diseases. Identifiers: MedGen C0950123, MeSH D030342.

Allele frequency attached by ClinVar (database versions not stated): gnomAD 0.00001; gnomAD exomes 0.00001; ExAC 0.00002; 1000 Genomes Project 30x 0.00016; 1000 Genomes Project 0.00020.
gnomAD v4.1: 9 of 1,612,630 alleles (0.00056%); highest among the groups gnomAD compares: East Asian, 0.02%; no homozygotes.

Submissions (2):

Labcorp Genetics (formerly Invitae), Labcorp
Classification: Uncertain significance. Last evaluated: 2025-10-14. Review status: criteria provided, single submitter. Criteria: Invitae Variant Classification Sherloc (09022015). Collection method: clinical testing. Allele origin: germline.
Comment: This sequence change replaces proline, which is neutral and non-polar, with leucine, which is neutral and non-polar, at codon 195 of the CENPJ protein (p.Pro195Leu). This variant is present in population databases (rs538260662, gnomAD 0.06%). This variant has not been reported in the literature in individuals affected with CENPJ-related conditions. ClinVar contains an entry for this variant (Variation ID: 2589945). Invitae Evidence Modeling of protein sequence and biophysical properties (such as structural, functional, and spatial information, amino acid conservation, physicochemical variation, residue mobility, and thermodynamic stability) indicates that this missense variant is not expected to disrupt CENPJ protein function with a negative predictive value of 80%. In summary, the available evidence is currently insufficient to determine the role of this variant in disease. Therefore, it has been classified as a Variant of Uncertain Significance.

Ambry Genetics
Classification: Uncertain significance for Inborn genetic diseases. Last evaluated: 2023-07-19. Review status: criteria provided, single submitter. Criteria: Ambry Variant Classification Scheme 2023. Collection method: clinical testing. Allele origin: germline.

NM_018451.5(CPAP):c.584C>T (p.Pro195Leu)

Gene: CPAP (centrosome assembly and centriole elongation protein; minus strand). Cytogenetic location: 13q12.13.
Variant type: single nucleotide variant.
Coding change: c.584C>T on transcript NM_018451.5 (MANE Select); coding-DNA position 584, C replaced by T.
Protein change: p.Pro195Leu; replaces proline 195 with leucine.
Molecular consequence: missense variant. On other transcripts: non-coding transcript variant (2).
Genome position (GRCh38, 1-based): chr13:24,910,071, G>A on the plus strand (C>T on the coding strand, the complement: CPAP is on the minus strand). VCF-style: chr13-24910071-G-A. GRCh37 (hg19) VCF-style: chr13-25484209-G-A.
Other names: short protein forms P195L.
Identifiers: ClinVar variation 2589945 (VCV002589945.3), dbSNP rs538260662, ClinGen allele CA6919957.